The following is an entry in ClinVar:

NM_000037.4(ANK1):c.*821C>T

Gene: ANK1 (ankyrin 1; minus strand). Cytogenetic location: 8p11.21.
Variant type: single nucleotide variant.
Coding change: c.*821C>T on transcript NM_000037.4 (MANE Select); 821 bases downstream of the stop codon, C replaced by T.
Molecular consequence: 3 prime UTR variant.
Genome position (GRCh38, 1-based): chr8:41,654,969, G>A on the plus strand (C>T on the coding strand, the complement: ANK1 is on the minus strand). VCF-style: chr8-41654969-G-A. GRCh37 (hg19) VCF-style: chr8-41512488-G-A.
Other names: c.*758C>T (NM_001142445.2, NM_001142446.2, NM_020475.3 and 3 more transcripts); c.*821C>T (NM_020478.5).
Identifiers: ClinVar variation 910549 (VCV000910549.4), dbSNP rs115248068, ClinGen allele CA175910134.

ClinVar aggregate classification (germline): Conflicting classifications of pathogenicity. Review status: criteria provided, conflicting classifications (1 of 4 stars). 2 submissions from 1 submitter: Uncertain significance (1); Likely benign (1). Last evaluated 2018-01-13.

Conditions:
Spherocytosis. Identifiers: MedGen C0553720, HP:0004444.
Hereditary spherocytosis type 1. Also called: Spherocytosis type 1; ANK1-Related Spherocytosis. Identifiers: Orphanet 822, MedGen C2674218, MONDO:0008447, OMIM 182900.

Allele frequency attached by ClinVar (database versions not stated): TOPMed 0.00127; gnomAD 0.00146 and 0.00172; 1000 Genomes Project 0.00200; 1000 Genomes Project 30x 0.00203.

Submissions (2):

Illumina Laboratory Services, Illumina
Classification: Uncertain significance for Spherocytosis. Last evaluated: 2018-01-13. Review status: criteria provided, single submitter. Criteria: ICSL Variant Classification Criteria 13 December 2019. Collection method: clinical testing. Allele origin: germline.

Illumina Laboratory Services, Illumina
Classification: Likely benign for Hereditary spherocytosis type 1. Last evaluated: 2018-01-13. Review status: criteria provided, single submitter. Criteria: ICSL Variant Classification Criteria 13 December 2019. Collection method: clinical testing. Allele origin: germline.
Comment: This variant was observed in the ICSL laboratory as part of a predisposition screen in an ostensibly healthy population. It had not been previously curated by ICSL or reported in the Human Gene Mutation Database (HGMD: prior to June 1st, 2018), and was therefore a candidate for classification through an automated scoring system. Utilizing variant allele frequency, disease prevalence and penetrance estimates, and inheritance mode, an automated score was calculated to assess if this variant is too frequent to cause the disease. Based on the score and internal cut-off values, a variant classified as likely benign is not then subjected to further curation. The score for this variant resulted in a classification of likely benign for this disease.